The following is an entry in ClinVar:

NM_006946.4(SPTBN2):c.6177G>C (p.Gln2059His)

Gene: SPTBN2 (spectrin beta, non-erythrocytic 2; minus strand). Cytogenetic location: 11q13.2.
Variant type: single nucleotide variant.
Coding change: c.6177G>C on transcript NM_006946.4 (MANE Select); coding-DNA position 6177, G replaced by C.
Protein change: p.Gln2059His; replaces glutamine 2059 with histidine.
Molecular consequence: missense variant.
Genome position (GRCh38, 1-based): chr11:66,688,707, C>G on the plus strand (G>C on the coding strand, the complement: SPTBN2 is on the minus strand). VCF-style: chr11-66688707-C-G. GRCh37 (hg19) VCF-style: chr11-66456178-C-G.
Other names: c.6198G>C, p.Gln2066His (NM_001411025.1); short protein forms Q2059H, Q2066H.
Identifiers: ClinVar variation 2890812 (VCV002890812.3), dbSNP rs147219661, ClinGen allele CA6128035.

ClinVar aggregate classification (germline): Uncertain significance (1 of 4 stars; one submission).

Allele frequency attached by ClinVar (database versions not stated): gnomAD 0.00001; ExAC 0.00002; TOPMed 0.00002; ESP Exome Variant Server 0.00008.
gnomAD v4.1: 38 of 1,613,894 alleles (0.0024%); highest among the groups gnomAD compares: Admixed American, 0.0033%; no homozygotes.

Submission:

Labcorp Genetics (formerly Invitae), Labcorp
Classification: Uncertain significance. Last evaluated: 2024-10-22. Review status: criteria provided, single submitter. Criteria: Invitae Variant Classification Sherloc (09022015). Collection method: clinical testing. Allele origin: germline.
Comment: This sequence change replaces glutamine, which is neutral and polar, with histidine, which is basic and polar, at codon 2059 of the SPTBN2 protein (p.Gln2059His). This variant is present in population databases (rs147219661, gnomAD 0.005%). This variant has not been reported in the literature in individuals affected with SPTBN2-related conditions. Invitae Evidence Modeling of protein sequence and biophysical properties (such as structural, functional, and spatial information, amino acid conservation, physicochemical variation, residue mobility, and thermodynamic stability) indicates that this missense variant is expected to disrupt SPTBN2 protein function with a positive predictive value of 80%. In summary, the available evidence is currently insufficient to determine the role of this variant in disease. Therefore, it has been classified as a Variant of Uncertain Significance.